The following is an entry in ClinVar:

NM_001128840.3(CACNA1D):c.5956G>T (p.Ala1986Ser)

Gene: CACNA1D (calcium voltage-gated channel subunit alpha1 D; plus strand). Cytogenetic location: 3p21.1.
Variant type: single nucleotide variant.
Coding change: c.5956G>T on transcript NM_001128840.3 (MANE Select); coding-DNA position 5956, G replaced by T.
Protein change: p.Ala1986Ser; replaces alanine 1986 with serine.
Molecular consequence: missense variant.
Genome position (GRCh38, 1-based): chr3:53,810,062, G>T. VCF-style: chr3-53810062-G-T. GRCh37 (hg19) VCF-style: chr3-53844089-G-T.
Other names: c.6016G>T, p.Ala2006Ser (NM_000720.4); c.5884G>T, p.Ala1962Ser (NM_001128839.3); short protein forms A1962S, A1986S, A2006S.
Identifiers: ClinVar variation 1523861 (VCV001523861.8), dbSNP rs756101464, ClinGen allele CA353258150.

ClinVar aggregate classification (germline): Uncertain significance (1 of 4 stars; one submission).

gnomAD v4.1: 1 of 1,613,910 alleles (0.000062%); highest among the groups gnomAD compares: Non-Finnish European, 0.000085%; no homozygotes.

Submission:

Labcorp Genetics (formerly Invitae), Labcorp
Classification: Uncertain significance. Last evaluated: 2021-04-23. Review status: criteria provided, single submitter. Criteria: Invitae Variant Classification Sherloc (09022015). Collection method: clinical testing. Allele origin: germline.
Comment: In summary, the available evidence is currently insufficient to determine the role of this variant in disease. Therefore, it has been classified as a Variant of Uncertain Significance. Algorithms developed to predict the effect of missense changes on protein structure and function (SIFT, PolyPhen-2, Align-GVGD) all suggest that this variant is likely to be tolerated, but these predictions have not been confirmed by published functional studies and their clinical significance is uncertain. This variant has not been reported in the literature in individuals with CACNA1D-related conditions. This variant is not present in population databases (ExAC no frequency). This sequence change replaces alanine with serine at codon 2006 of the CACNA1D protein (p.Ala2006Ser). The alanine residue is moderately conserved and there is a moderate physicochemical difference between alanine and serine.